The following is an entry in ClinVar:

NM_001378030.1(CCDC78):c.604A>G (p.Arg202Gly)

Gene: CCDC78 (coiled-coil domain containing 78; minus strand). Cytogenetic location: 16p13.3.
Variant type: single nucleotide variant.
Coding change: c.604A>G on transcript NM_001378030.1 (MANE Select); coding-DNA position 604, A replaced by G.
Protein change: p.Arg202Gly; replaces arginine 202 with glycine.
Molecular consequence: missense variant. On other transcripts: non-coding transcript variant (5), intron variant (1).
Genome position (GRCh38, 1-based): chr16:724,946, T>C on the plus strand (A>G on the coding strand, the complement: CCDC78 is on the minus strand). VCF-style: chr16-724946-T-C. GRCh37 (hg19) VCF-style: chr16-774946-T-C.
Other names: c.604A>G, p.Arg202Gly (NM_001031737.3, NM_001378031.1); c.198+132A>G (NM_001378033.1); short protein forms R202G.
Identifiers: ClinVar variation 3604044 (VCV003604044.2).

ClinVar aggregate classification (germline): Uncertain significance (1 of 4 stars; one submission).

Conditions:
Congenital myopathy with internal nuclei and atypical cores. Also called: Myopathy, centronuclear, 4. Identifiers: Orphanet 319160, MedGen C4707232, MONDO:0013890, OMIM 614807.

gnomAD v4.1: 1 of 1,610,508 alleles (0.000062%); highest among the groups gnomAD compares: Non-Finnish European, 0.000085%; no homozygotes.

Submission:

Labcorp Genetics (formerly Invitae), Labcorp
Classification: Uncertain significance for Congenital myopathy with internal nuclei and atypical cores. Last evaluated: 2025-12-16. Review status: criteria provided, single submitter. Criteria: Invitae Variant Classification Sherloc (09022015). Collection method: clinical testing. Allele origin: germline.
Comment: This sequence change replaces arginine, which is basic and polar, with glycine, which is neutral and non-polar, at codon 202 of the CCDC78 protein (p.Arg202Gly). This variant is not present in population databases (gnomAD no frequency). This variant has not been reported in the literature in individuals affected with CCDC78-related conditions. ClinVar contains an entry for this variant (Variation ID: 3604044). Invitae Evidence Modeling of protein sequence and biophysical properties (such as structural, functional, and spatial information, amino acid conservation, physicochemical variation, residue mobility, and thermodynamic stability) indicates that this missense variant is not expected to disrupt CCDC78 protein function with a negative predictive value of 80%. In summary, the available evidence is currently insufficient to determine the role of this variant in disease. Therefore, it has been classified as a Variant of Uncertain Significance.